The following is an entry in ClinVar:

NM_000038.6(APC):c.1348G>T (p.Val450Leu)

Gene: APC (APC regulator of Wnt signaling pathway; plus strand). Cytogenetic location: 5q22.2.
Variant type: single nucleotide variant.
Coding change: c.1348G>T on transcript NM_000038.6 (MANE Select); coding-DNA position 1348, G replaced by T.
Protein change: p.Val450Leu; replaces valine 450 with leucine.
Molecular consequence: missense variant.
Genome position (GRCh38, 1-based): chr5:112,821,931, G>T. VCF-style: chr5-112821931-G-T. GRCh37 (hg19) VCF-style: chr5-112157628-G-T.
Other names: c.1348G>T, p.Val450Leu (NM_001127510.3, NM_001354895.2, NM_001354896.2); c.1294G>T, p.Val432Leu (NM_001127511.3); c.1378G>T, p.Val460Leu (NM_001354897.2); c.1273G>T, p.Val425Leu (NM_001354898.2); c.1264G>T, p.Val422Leu (NM_001354899.2); c.1171G>T, p.Val391Leu (NM_001354900.2, NM_001354901.2); c.1075G>T, p.Val359Leu (NM_001354902.2); c.1045G>T, p.Val349Leu (NM_001354903.2); and 3 more; short protein forms V432L, V450L, V290L, V391L, V349L, V359L, V422L, V425L.
Identifiers: ClinVar variation 566965 (VCV000566965.10), dbSNP rs1561546045, ClinGen allele CA16024256.

ClinVar aggregate classification (germline): Uncertain significance (1 of 4 stars; one submission).

Conditions:
Familial adenomatous polyposis 1 (FAP1). Also called: FAMILIAL ADENOMATOUS POLYPOSIS 1, ATTENUATED; POLYPOSIS, ADENOMATOUS INTESTINAL. Identifiers: MedGen C2713442, MONDO:0021056, OMIM 175100. Disease mechanism: loss of function.

Submission:

Labcorp Genetics (formerly Invitae), Labcorp
Classification: Uncertain significance for Familial adenomatous polyposis 1. Last evaluated: 2025-06-16. Review status: criteria provided, single submitter. Criteria: Invitae Variant Classification Sherloc (09022015). Collection method: clinical testing. Allele origin: germline.
Comment: This sequence change replaces valine, which is neutral and non-polar, with leucine, which is neutral and non-polar, at codon 450 of the APC protein (p.Val450Leu). This variant is not present in population databases (gnomAD no frequency). This variant has not been reported in the literature in individuals affected with APC-related conditions. ClinVar contains an entry for this variant (Variation ID: 566965). Invitae Evidence Modeling of protein sequence and biophysical properties (such as structural, functional, and spatial information, amino acid conservation, physicochemical variation, residue mobility, and thermodynamic stability) indicates that this missense variant is not expected to disrupt APC protein function with a negative predictive value of 95%. In summary, the available evidence is currently insufficient to determine the role of this variant in disease. Therefore, it has been classified as a Variant of Uncertain Significance.